The following is an entry in ClinVar:

ClinVar aggregate classification (germline): Benign. Review status: criteria provided, single submitter (1 of 4 stars). 2 submissions from 2 submitters: Benign (1). 1 of the submissions does not count toward it. Last evaluated 2018-10-10.

Conditions:
DVL2-related disorder. Also called: DVL2-related condition.

Allele frequency attached by ClinVar (database versions not stated): gnomAD exomes 0.00052 and 0.00137; ExAC 0.00169; 1000 Genomes Project 0.00519; gnomAD 0.00527 and 0.00560; ESP Exome Variant Server 0.00554; 1000 Genomes Project 30x 0.00562; TOPMed 0.00581.
gnomAD v4.1: 1,580 of 1,613,966 alleles (0.098%); highest among the groups gnomAD compares: African/African-American, 1.9%; 15 homozygotes.

Submissions (2):

Labcorp Genetics (formerly Invitae), Labcorp
Classification: Benign. Last evaluated: 2018-10-10. Review status: criteria provided, single submitter. Criteria: Invitae Variant Classification Sherloc (09022015). Collection method: clinical testing. Allele origin: germline.

PreventionGenetics, part of Exact Sciences
Classification: Benign for DVL2-related condition. Last evaluated: 2019-04-29. Review status: no assertion criteria provided. Collection method: clinical testing. Allele origin: germline. Not counted in ClinVar's aggregate classification.
Comment: This variant is classified as benign based on ACMG/AMP sequence variant interpretation guidelines (Richards et al. 2015 PMID: 25741868, with internal and published modifications).

NM_004422.3(DVL2):c.1244G>A (p.Arg415Gln)

Gene: DVL2 (dishevelled segment polarity protein 2; minus strand). Cytogenetic location: 17p13.1.
Variant type: single nucleotide variant.
Coding change: c.1244G>A on transcript NM_004422.3 (MANE Select); coding-DNA position 1244, G replaced by A.
Protein change: p.Arg415Gln; replaces arginine 415 with glutamine.
Molecular consequence: missense variant.
Genome position (GRCh38, 1-based): chr17:7,227,523, C>T on the plus strand (G>A on the coding strand, the complement: DVL2 is on the minus strand). VCF-style: chr17-7227523-C-T. GRCh37 (hg19) VCF-style: chr17-7130842-C-T.
Other names: short protein forms R415Q.
Identifiers: ClinVar variation 728976 (VCV000728976.5), dbSNP rs149100313, ClinGen allele CA8338606.